The following is an entry in ClinVar:

ClinVar aggregate classification (germline): Benign (1 of 4 stars; one submission).

Conditions:
Glucocorticoid deficiency 2 (GCCD2). Also called: FAMILIAL GLUCOCORTICOID DEFICIENCY 2. Identifiers: Orphanet 361, MedGen C4049714, MONDO:0011826, OMIM 607398.

Allele frequency attached by ClinVar (database versions not stated): gnomAD 0.01539 and 0.01635; 1000 Genomes Project 0.01937; TOPMed 0.01691; 1000 Genomes Project 30x 0.02046.

Submission:

Illumina Laboratory Services, Illumina
Classification: Benign for Glucocorticoid deficiency 2. Last evaluated: 2018-01-12. Review status: criteria provided, single submitter. Criteria: ICSL Variant Classification Criteria 13 December 2019. Collection method: clinical testing. Allele origin: germline.
Comment: This variant was observed in the ICSL laboratory as part of a predisposition screen in an ostensibly healthy population. It had not been previously curated by ICSL or reported in the Human Gene Mutation Database (HGMD: prior to June 1st, 2018), and was therefore a candidate for classification through an automated scoring system. Utilizing variant allele frequency, disease prevalence and penetrance estimates, and inheritance mode, an automated score was calculated to assess if this variant is too frequent to cause the disease. Based on the score and internal cut-off values, a variant classified as benign is not then subjected to further curation. The score for this variant resulted in a classification of benign for this disease.

NM_178817.4(MRAP):c.-130A>G

Gene: MRAP (melanocortin 2 receptor accessory protein; plus strand). Cytogenetic location: 21q22.11.
Variant type: single nucleotide variant.
Coding change: c.-130A>G on transcript NM_178817.4; 130 bases upstream of the start codon, A replaced by G.
Molecular consequence: 5 prime UTR variant.
Genome position (GRCh38, 1-based): chr21:32,293,013, A>G. VCF-style: chr21-32293013-A-G. GRCh37 (hg19) VCF-style: chr21-33665324-A-G.
Other names: c.-191A>G (NM_001285394.2); c.-130A>G (NM_206898.2).
Identifiers: ClinVar variation 339673 (VCV000339673.7), dbSNP rs114474088, ClinGen allele CA10653491.